The following is an entry in ClinVar:

ClinVar aggregate classification (germline): Benign/Likely benign. Review status: criteria provided, multiple submitters, no conflicts (2 of 4 stars). 3 submissions from 3 submitters: Benign (1); Likely benign (2). Last evaluated 2024-10-22.

Conditions:
Hereditary cancer-predisposing syndrome. Also called: Tumor predisposition; Hereditary neoplastic syndrome; Hereditary Cancer Syndrome; Neoplastic Syndromes, Hereditary. Identifiers: Orphanet 140162, MedGen C0027672, MeSH D009386, MONDO:0015356.
Birt-Hogg-Dube syndrome. Also called: Birt Hogg Dubé syndrome. Identifiers: Orphanet 122, MedGen C0346010, MONDO:0800444.
Birt-Hogg-Dube syndrome 1 (BHD1). Also called: FIBROFOLLICULOMAS WITH TRICHODISCOMAS AND ACROCHORDONS. Identifiers: Orphanet 122, MedGen CN375946, MONDO:0800445, OMIM 135150.

Allele frequency attached by ClinVar (database versions not stated): gnomAD exomes below 0.00001.
gnomAD v4.1: 1 of 1,613,550 alleles (0.000062%); highest among the groups gnomAD compares: Non-Finnish European, 0.000085%; no homozygotes.

Submissions (3):

Myriad Genetics, Inc.
Classification: Benign for Birt-Hogg-Dube syndrome 1. Last evaluated: 2024-10-22. Review status: criteria provided, single submitter. Criteria: Myriad Autosomal Dominant, Autosomal Recessive and X-Linked Classification Criteria (2023). Collection method: clinical testing. Allele origin: unknown.
Comment: This variant is considered benign. This variant is a silent/synonymous amino acid change and it is not expected to impact splicing.

Labcorp Genetics (formerly Invitae), Labcorp
Classification: Likely benign for Birt-Hogg-Dube syndrome. Last evaluated: 2024-03-19. Review status: criteria provided, single submitter. Criteria: Invitae Variant Classification Sherloc (09022015). Collection method: clinical testing. Allele origin: germline.

Ambry Genetics
Classification: Likely benign for Hereditary cancer-predisposing syndrome. Last evaluated: 2019-11-25. Review status: criteria provided, single submitter. Criteria: Ambry Variant Classification Scheme 2023. Collection method: clinical testing. Allele origin: germline.

NM_144997.7(FLCN):c.48C>G (p.Pro16=)

Gene: FLCN (folliculin; minus strand). Cytogenetic location: 17p11.2.
Variant type: single nucleotide variant.
Coding change: c.48C>G on transcript NM_144997.7 (MANE Select); coding-DNA position 48, C replaced by G.
Protein change: p.Pro16=; no amino-acid change (proline 16 retained).
Molecular consequence: synonymous variant.
Genome position (GRCh38, 1-based): chr17:17,228,090, G>C on the plus strand (C>G on the coding strand, the complement: FLCN is on the minus strand). VCF-style: chr17-17228090-G-C. GRCh37 (hg19) VCF-style: chr17-17131404-G-C.
Other names: c.48C>G, p.Pro16= (NM_001353229.2, NM_001353230.2, NM_001353231.2 and 1 more transcripts).
Identifiers: ClinVar variation 699632 (VCV000699632.10), dbSNP rs1597618480, ClinGen allele CA498421701.
Genomic context (GRCh38, chr17:17,228,090, plus strand): 5'-CTCATTCCCATCCCCTTGAGGAAGTGGGGCGTGCAGCACCTCCGTGCAGAAGAGAGTGCG[G>C]GGGCCGTGGAGCTCGCAGAAGTGGCAGAGAGCCACGATGGCATTCATGGTGCCTTGGAGA-3'
Protein context (NP_659434.2, residues 6-26): ALCHFCELHG[Pro16=]RTLFCTEVLH